The following is an entry in ClinVar:

ClinVar aggregate classification (germline): Likely pathogenic (1 of 4 stars; one submission).

Conditions:
Congenital myasthenic syndrome 4C (CMS4C). Also called: Myasthenic syndrome, congenital, associated with acetylcholine receptor deficiency. Identifiers: Orphanet 590, MedGen C1837091, MONDO:0012157, OMIM 608931.

Submission:

3billion
Classification: Likely pathogenic for Congenital myasthenic syndrome 4C. Last evaluated: 2024-10-27. Review status: criteria provided, single submitter. Criteria: ACMG Guidelines, 2015. Collection method: clinical testing. Allele origin: germline. Affected: yes.
Comment: The variant is not observed in the gnomAD v4.1.0 dataset. Predicted Consequence/Location: Frameshift: predicted to result in a loss or disruption of normal protein function through nonsense-mediated decay (NMD) or protein truncation. Multiple pathogenic variants are reported downstream of the variant. Therefore, this variant is classified as Likely pathogenic according to the recommendation of ACMG/AMP guideline.

NM_000080.4(CHRNE):c.193G>T (p.Glu65Ter)

Genes: CHRNE (cholinergic receptor nicotinic epsilon subunit; minus strand), C17orf107 (chromosome 17 open reading frame 107; plus strand). Cytogenetic location: 17p13.2.
Variant type: single nucleotide variant.
Coding change: c.193G>T on transcript NM_000080.4 (MANE Select); coding-DNA position 193, G replaced by T.
Protein change: p.Glu65Ter; replaces glutamic acid 65 with a stop codon.
Molecular consequence: nonsense. On other transcripts: 3 prime UTR variant (1).
Genome position (GRCh38, 1-based): chr17:4,902,491, C>A on the plus strand (G>T on the coding strand, the complement: CHRNE is on the minus strand). VCF-style: chr17-4902491-C-A. GRCh37 (hg19) VCF-style: chr17-4805786-C-A.
Other names: c.*1958C>A (NM_001145536.2); short protein forms E65*.
Identifiers: ClinVar variation 4294045 (VCV004294045.1).
Genomic context (GRCh38, chr17:4,902,491, plus strand): 5'-TTCCCCAGATTTGACTCACGATTCCAATCCAGACGCTAGTGGTGAGAGTCTCCTCTTTTT[C>A]ATTCTGCAGATGGGAGATGGGGATGATTGAAGTGAGATTTCAGGGCCAGAAGTGAGCTTT-3'